The following is an entry in ClinVar:

ClinVar aggregate classification (germline): Uncertain significance. Review status: criteria provided, multiple submitters, no conflicts (2 of 4 stars). 5 submissions from 4 submitters: Uncertain significance (5). Last evaluated 2024-11-20.

Conditions:
Corneal dystrophy. Identifiers: Orphanet 34533, MedGen C0010036, MONDO:0018102, HP:0001131.
Bietti crystalline corneoretinal dystrophy (BCD). Also called: Bietti Crystalline Dystrophy; BIETTI TAPETORETINAL DEGENERATION WITH MARGINAL CORNEAL DYSTROPHY. Identifiers: Orphanet 41751, MedGen C1859486, MONDO:0008865, OMIM 210370.
Inborn genetic diseases. Identifiers: MedGen C0950123, MeSH D030342.

Allele frequency attached by ClinVar (database versions not stated): ExAC 0.00007; ESP Exome Variant Server 0.00008; gnomAD exomes 0.00008 and 0.00013; TOPMed 0.00011; gnomAD 0.00013.
gnomAD v4.1: 207 of 1,614,104 alleles (0.013%); highest among the groups gnomAD compares: Non-Finnish European, 0.017%; no homozygotes.

Submissions (5):

Blueprint Genetics
Classification: Uncertain significance. Last evaluated: 2024-11-20. Review status: criteria provided, single submitter. Criteria: ACMG Guidelines, 2015. Collection method: clinical testing. Allele origin: germline.

Labcorp Genetics (formerly Invitae), Labcorp
Classification: Uncertain significance. Last evaluated: 2023-08-03. Review status: criteria provided, single submitter. Criteria: Invitae Variant Classification Sherloc (09022015). Collection method: clinical testing. Allele origin: germline.
Comment: This variant is present in population databases (rs376015936, gnomAD 0.02%). This sequence change replaces aspartic acid, which is acidic and polar, with tyrosine, which is neutral and polar, at codon 374 of the CYP4V2 protein (p.Asp374Tyr). This variant has not been reported in the literature in individuals affected with CYP4V2-related conditions. In summary, the available evidence is currently insufficient to determine the role of this variant in disease. Therefore, it has been classified as a Variant of Uncertain Significance. Advanced modeling of protein sequence and biophysical properties (such as structural, functional, and spatial information, amino acid conservation, physicochemical variation, residue mobility, and thermodynamic stability) performed at Invitae indicates that this missense variant is not expected to disrupt CYP4V2 protein function. ClinVar contains an entry for this variant (Variation ID: 902350).

Ambry Genetics
Classification: Uncertain significance for Inborn genetic diseases. Last evaluated: 2023-01-24. Review status: criteria provided, single submitter. Criteria: Ambry Variant Classification Scheme 2023. Collection method: clinical testing. Allele origin: germline.

Illumina Laboratory Services, Illumina
Classification: Uncertain significance for Bietti crystalline corneoretinal dystrophy. Last evaluated: 2018-01-13. Review status: criteria provided, single submitter. Criteria: ICSL Variant Classification Criteria 13 December 2019. Collection method: clinical testing. Allele origin: germline.

Illumina Laboratory Services, Illumina
Classification: Uncertain significance for Corneal dystrophy. Last evaluated: 2018-01-13. Review status: criteria provided, single submitter. Criteria: ICSL Variant Classification Criteria 13 December 2019. Collection method: clinical testing. Allele origin: germline.

NM_207352.4(CYP4V2):c.1120G>T (p.Asp374Tyr)

Gene: CYP4V2 (cytochrome P450 family 4 subfamily V member 2; plus strand). Cytogenetic location: 4q35.2.
Variant type: single nucleotide variant.
Coding change: c.1120G>T on transcript NM_207352.4 (MANE Select); coding-DNA position 1120, G replaced by T.
Protein change: p.Asp374Tyr; replaces aspartic acid 374 with tyrosine.
Molecular consequence: missense variant.
Genome position (GRCh38, 1-based): chr4:186,208,894, G>T. VCF-style: chr4-186208894-G-T. GRCh37 (hg19) VCF-style: chr4-187130048-G-T.
Other names: short protein forms D374Y.
Identifiers: ClinVar variation 902350 (VCV000902350.13), dbSNP rs376015936, ClinGen allele CA3162767.
Genomic context (GRCh38, chr4:186,208,894, plus strand): 5'-TCAGGTCATCTTATCTACTTGCTTTCATCAGGGAAGTCTGACCGTCCCGCTACAGTAGAA[G>T]ACCTGAAGAAACTTCGGTATCTGGAATGTGTTATTAAGGAGACCCTTCGCCTTTTTCCTT-3'
Protein context (NP_997235.3, residues 364-384): GKSDRPATVE[Asp374Tyr]LKKLRYLECV